The following is an entry in ClinVar:

ClinVar aggregate classification (germline): Uncertain significance (0 of 4 stars; one submission).

Conditions:
Intellectual developmental disorder, autosomal dominant 66. Also called: MENTAL RETARDATION, AUTOSOMAL DOMINANT 66. Identifiers: MedGen C5677000, MONDO:0030891, OMIM 619910.

Allele frequency attached by ClinVar (database versions not stated): gnomAD exomes below 0.00001.
gnomAD v4.1: 1 of 1,613,608 alleles (0.000062%); highest among the groups gnomAD compares: Non-Finnish European, 0.000085%; no homozygotes.

Submission:

Institute of Human Genetics, University of Goettingen
Classification: Uncertain significance for Intellectual developmental disorder, autosomal dominant 66. Last evaluated: 2022-08-04. Review status: no assertion criteria provided. Collection method: clinical testing. Allele origin: germline. Affected: yes. Observed: 1 heterozygote.
Comment: Intellectual developmental disorder, autosomal dominant 66

NM_001366521.1(ATP2B1):c.2359G>T (p.Asp787Tyr)

Gene: ATP2B1 (ATPase plasma membrane Ca2+ transporting 1; minus strand). Cytogenetic location: 12q21.33.
Variant type: single nucleotide variant.
Coding change: c.2359G>T on transcript NM_001366521.1 (MANE Select); coding-DNA position 2359, G replaced by T.
Protein change: p.Asp787Tyr; replaces aspartic acid 787 with tyrosine.
Molecular consequence: missense variant.
Genome position (GRCh38, 1-based): chr12:89,610,020, C>A on the plus strand (G>T on the coding strand, the complement: ATP2B1 is on the minus strand). VCF-style: chr12-89610020-C-A. GRCh37 (hg19) VCF-style: chr12-90003797-C-A.
Other names: c.2359G>T, p.Asp787Tyr (NM_001001323.2, NM_001366520.1, NM_001366522.1 and 12 more transcripts); c.2161G>T, p.Asp721Tyr (NM_001366530.1, NM_001413053.1); c.1798G>T, p.Asp600Tyr (NM_001366531.1, NM_001366532.1, NM_001413058.1 and 2 more transcripts); c.2320G>T, p.Asp774Tyr (NM_001413048.1); c.2218G>T, p.Asp740Tyr (NM_001413051.1, NM_001413052.1, NM_001413055.1); c.2116G>T, p.Asp706Tyr (NM_001413054.1); c.2104G>T, p.Asp702Tyr (NM_001413056.1); c.1906G>T, p.Asp636Tyr (NM_001413057.1); short protein forms D600Y, D636Y, D702Y, D706Y, D721Y, D740Y, D774Y, D787Y.
Identifiers: ClinVar variation 1801725 (VCV001801725.2), dbSNP rs2540875159, ClinGen allele CA386123389.